The following is an entry in ClinVar:

NM_016203.4(PRKAG2):c.325T>G (p.Ser109Ala)

Gene: PRKAG2 (protein kinase AMP-activated non-catalytic subunit gamma 2; minus strand). Cytogenetic location: 7q36.1.
Variant type: single nucleotide variant.
Coding change: c.325T>G on transcript NM_016203.4 (MANE Select); coding-DNA position 325, T replaced by G.
Protein change: p.Ser109Ala; replaces serine 109 with alanine.
Molecular consequence: missense variant.
Genome position (GRCh38, 1-based): chr7:151,781,293, A>C on the plus strand (T>G on the coding strand, the complement: PRKAG2 is on the minus strand). VCF-style: chr7-151781293-A-C. GRCh37 (hg19) VCF-style: chr7-151478379-A-C.
Other names: p.S109A:TCC>GCC; c.193T>G, p.Ser65Ala (NM_001040633.2); short protein forms S109A, S65A.
Identifiers: ClinVar variation 45715 (VCV000045715.25), dbSNP rs139579816, ClinGen allele CA014153.

ClinVar aggregate classification (germline): Conflicting classifications of pathogenicity. Review status: criteria provided, conflicting classifications (1 of 4 stars). 9 submissions from 9 submitters: Uncertain significance (2); Likely benign (7). Last evaluated 2026-01-11.

Conditions:
PRKAG2-related disorder. Also called: PRKAG2-related disorders; PRKAG2-related condition.
Cardiovascular phenotype. Identifiers: MedGen CN230736.
Hypertrophic cardiomyopathy 6. Identifiers: MedGen C1833236, MONDO:0010946, OMIM 600858.
Lethal congenital glycogen storage disease of heart. Also called: GLYCOGEN STORAGE DISEASE OF HEART; PHOSPHORYLASE KINASE DEFICIENCY OF HEART. Identifiers: Orphanet 439854, MedGen C1849813, MONDO:0009867, OMIM 261740.
Wolff-Parkinson-White pattern. Also called: WPW SYNDROME; Auriculoventricular accessory pathway syndrome; False bundle branch block syndrome; Anomalous ventricular excitation syndrome. Identifiers: MedGen C0043202, MONDO:0008685, OMIM 194200, HP:0001716.
Cardiomyopathy (CMYO). Also called: Cardiomyopathies. Identifiers: Orphanet 167848, MedGen C0878544, MONDO:0004994, HP:0001638. Inheritance: Various modes of inheritance.

Allele frequency attached by ClinVar (database versions not stated): gnomAD exomes 0.00003 and 0.00006; ExAC 0.00007; ESP Exome Variant Server 0.00015; gnomAD 0.00025 and 0.00027; TOPMed 0.00034; 1000 Genomes Project 0.00040; 1000 Genomes Project 30x 0.00031.
gnomAD v4.1: 81 of 1,614,068 alleles (0.005%); highest among the groups gnomAD compares: African/African-American, 0.099%; no homozygotes.

Submissions (9):

Labcorp Genetics (formerly Invitae), Labcorp
Classification: Likely benign for Lethal congenital glycogen storage disease of heart. Last evaluated: 2026-01-11. Review status: criteria provided, single submitter. Criteria: Invitae Variant Classification Sherloc (09022015). Collection method: clinical testing. Allele origin: germline.

PreventionGenetics, part of Exact Sciences
Classification: Likely benign for PRKAG2-related condition. Last evaluated: 2025-03-17. Review status: criteria provided, single submitter. Criteria: ACMG Guidelines, 2015. Collection method: clinical testing. Allele origin: germline.
Comment: This variant is classified as likely benign based on ACMG/AMP sequence variant interpretation guidelines (Richards et al. 2015 PMID: 25741868, with internal and published modifications).

Blueprint Genetics
Classification: Likely benign. Last evaluated: 2024-11-01. Review status: criteria provided, single submitter. Criteria: ACMG Guidelines, 2015. Collection method: clinical testing. Allele origin: germline.

Color Diagnostics, LLC DBA Color Health
Classification: Likely benign for Cardiomyopathy. Last evaluated: 2021-01-27. Review status: criteria provided, single submitter. Criteria: ACMG Guidelines, 2015. Collection method: clinical testing. Allele origin: germline.

GeneDx
Classification: Likely benign. Last evaluated: 2019-12-11. Review status: criteria provided, single submitter. Criteria: GeneDx Variant Classification Process June 2021. Collection method: clinical testing. Allele origin: germline. Affected: yes.
Comment: Has not been previously published as pathogenic or benign to our knowledge; In silico analysis, which includes protein predictors and evolutionary conservation, supports that this variant does not alter protein structure/function

Ambry Genetics
Classification: Likely benign for Cardiovascular phenotype. Last evaluated: 2019-11-11. Review status: criteria provided, single submitter. Criteria: Ambry Variant Classification Scheme 2023. Collection method: clinical testing. Allele origin: germline.

Women's Health and Genetics/Laboratory Corporation of America, LabCorp
Classification: Likely benign. Last evaluated: 2016-09-19. Review status: criteria provided, single submitter. Criteria: LabCorp Variant Classification Summary - May 2015. Collection method: clinical testing. Allele origin: germline.
Comment: Variant summary: The PRKAG2 c.325T>G (p.Ser109Ala) variant involves the alteration of a conserved nucleotide. 4/4 in silico tools predict a benign outcome for this variant. This variant is located outside the CBS domain region where pathogenic PRKAG2 variants have been known to cluster (InterPro, Oliveira 2003), reducing the likelihood that it is disease causing. This variant was found in 8/120812 control chromosomes, predominantly observed in the African subpopulation at a frequency of 0.0007761 (8/10308). This frequency is about 31 times the estimated maximal expected allele frequency of a pathogenic PRKAG2 variant (0.000025), suggesting this is likely a benign polymorphism found primarily in the populations of African origin. This variant has been found in multiple patients with cardiomyopathy from published (Kindel_2012) as well as unpublished (LMM-PH) sources. The variant did not cosegregate with disease in a family (LMM-PH). Two clinical diagnostic laboratories have classified this variant as uncertain significance. Taken together, this variant is classified as likely benign.

Laboratory for Molecular Medicine, Mass General Brigham Personalized Medicine
Classification: Uncertain significance. Last evaluated: 2015-08-13. Review status: criteria provided, single submitter. Criteria: LMM Criteria. Collection method: clinical testing. Allele origin: germline. Observed: 5 variant alleles.
Comment: Variant classified as Uncertain Significance - Favor Benign. The p.Ser109Ala var iant in PRKAG2 has been identified in 8/10308 of African chromosomes by the Exom e Aggregation Consortium (ExAC; rs139579816). This variant is located outside the CBS domain region where all pathogenic PRKAG2 variants have been identified to date (Oliveira 2003), reducing the likelihood that it is disease causing. Co mputational prediction tools and conservation analysis also suggest that it may not impact the protein, though this information is not predictive enough to rule out pathogenicity. In summary, while the clinical significance of the p.Ser109A la variant is uncertain, these data suggest that it is more likely to be benign.

Center for Genomics, Ann and Robert H. Lurie Children's Hospital of Chicago
Classification: Uncertain significance for Lethal congenital glycogen storage disease of heart; Wolff-Parkinson-White pattern; Hypertrophic cardiomyopathy 6. Review status: criteria provided, single submitter. Criteria: ACMG Guidelines, 2015. Collection method: clinical testing. Allele origin: germline.
Comment: PRKAG2 NM_016203.3 exon 3 p.Ser109Ala (c.325T>G): This variant has been reported in the literature in at least one individual with HCM (Kindel 2012 PMID:22555271). This variant is also present in 0.08% (22/24932) of African alleles in the Genome Aggregation Database and is present in ClinVar (Variation ID:45715). Evolutionary conservation and computational predictive tools suggest that this variant may not impact the protein. In summary, data on this variant is insufficient for disease classification. Therefore, the clinical significance of this variant is uncertain.

Literature cited by the submitters: PubMed 22555271 (cited by Women's Health and Genetics/Laboratory Corporation of America, LabCorp); PubMed 14519435 (cited by Laboratory for Molecular Medicine, Mass General Brigham Personalized Medicine).